The following is an entry in ClinVar:

ClinVar aggregate classification (germline): Uncertain significance (1 of 4 stars; one submission).

Allele frequency attached by ClinVar (database versions not stated): gnomAD exomes below 0.00001.
gnomAD v4.1: 2 of 1,612,046 alleles (0.00012%); highest among the groups gnomAD compares: South Asian, 0.0011%; no homozygotes.

Submission:

GeneDx
Classification: Uncertain significance. Last evaluated: 2023-06-21. Review status: criteria provided, single submitter. Criteria: GeneDx Variant Classification Process June 2021. Collection method: clinical testing. Allele origin: germline. Affected: yes.
Comment: Not observed at significant frequency in large population cohorts (gnomAD); In silico analysis supports that this missense variant has a deleterious effect on protein structure/function; Has not been previously published as pathogenic or benign to our knowledge

NM_014244.5(ADAMTS2):c.1756C>T (p.Arg586Cys)

Gene: ADAMTS2 (ADAM metallopeptidase with thrombospondin type 1 motif 2; minus strand). Cytogenetic location: 5q35.3.
Variant type: single nucleotide variant.
Coding change: c.1756C>T on transcript NM_014244.5 (MANE Select); coding-DNA position 1756, C replaced by T.
Protein change: p.Arg586Cys; replaces arginine 586 with cysteine.
Molecular consequence: missense variant.
Genome position (GRCh38, 1-based): chr5:179,139,909, G>A on the plus strand (C>T on the coding strand, the complement: ADAMTS2 is on the minus strand). VCF-style: chr5-179139909-G-A. GRCh37 (hg19) VCF-style: chr5-178566910-G-A.
Other names: short protein forms R586C.
Identifiers: ClinVar variation 2573816 (VCV002573816.1), dbSNP rs1763133512, ClinGen allele CA362427833.